The following is an entry in ClinVar:

ClinVar aggregate classification (germline): Uncertain significance. Review status: criteria provided, multiple submitters, no conflicts (2 of 4 stars). 2 submissions from 2 submitters: Uncertain significance (2). Last evaluated 2025-03-31.

Conditions:
Saldino-Mainzer syndrome (SRTD9). Also called: Renal dysplasia, retinal pigmentary dystrophy, cerebellar ataxia and skeletal dysplasia; short-rib thoracic dysplasia 9 with or without polydactyly; CONORENAL SYNDROME; SHORT-RIB THORACIC DYSPLASIA 9 WITHOUT POLYDACTYLY. Identifiers: Orphanet 140969, MedGen C1849437, MONDO:0009964, OMIM 266920.

Allele frequency attached by ClinVar (database versions not stated): TOPMed below 0.00001; gnomAD exomes 0.00001 and 0.00002; ExAC 0.00007.
gnomAD v4.1: 10 of 1,608,340 alleles (0.00062%); highest among the groups gnomAD compares: South Asian, 0.0011%; no homozygotes.

Submissions (2):

Labcorp Genetics (formerly Invitae), Labcorp
Classification: Uncertain significance for Saldino-Mainzer syndrome. Last evaluated: 2025-03-31. Review status: criteria provided, single submitter. Criteria: Invitae Variant Classification Sherloc (09022015). Collection method: clinical testing. Allele origin: germline.
Comment: This sequence change replaces arginine, which is basic and polar, with tryptophan, which is neutral and slightly polar, at codon 1403 of the IFT140 protein (p.Arg1403Trp). The frequency data for this variant in the population databases is considered unreliable, as metrics indicate poor data quality at this position in the gnomAD database. This variant has not been reported in the literature in individuals affected with IFT140-related conditions. ClinVar contains an entry for this variant (Variation ID: 1424622). Invitae Evidence Modeling of protein sequence and biophysical properties (such as structural, functional, and spatial information, amino acid conservation, physicochemical variation, residue mobility, and thermodynamic stability) has been performed for this missense variant. However, the output from this modeling did not meet the statistical confidence thresholds required to predict the impact of this variant on IFT140 protein function. In summary, the available evidence is currently insufficient to determine the role of this variant in disease. Therefore, it has been classified as a Variant of Uncertain Significance.

Blueprint Genetics
Classification: Uncertain significance. Last evaluated: 2021-07-27. Review status: criteria provided, single submitter. Criteria: ACMG Guidelines, 2015. Collection method: clinical testing. Allele origin: germline.

NM_014714.4(IFT140):c.4207C>T (p.Arg1403Trp)

Gene: IFT140 (intraflagellar transport 140; minus strand). Cytogenetic location: 16p13.3.
Variant type: single nucleotide variant.
Coding change: c.4207C>T on transcript NM_014714.4 (MANE Select); coding-DNA position 4207, C replaced by T.
Protein change: p.Arg1403Trp; replaces arginine 1403 with tryptophan.
Molecular consequence: missense variant.
Genome position (GRCh38, 1-based): chr16:1,511,126, G>A on the plus strand (C>T on the coding strand, the complement: IFT140 is on the minus strand). VCF-style: chr16-1511126-G-A. GRCh37 (hg19) VCF-style: chr16-1561127-G-A.
Other names: short protein forms R1403W.
Identifiers: ClinVar variation 1424622 (VCV001424622.5), dbSNP rs772400580, ClinGen allele CA7812830.